The following is an entry in ClinVar:

ClinVar aggregate classification (germline): Pathogenic (1 of 4 stars; one submission).

Conditions:
Neuromuscular disease caused by qualitative or quantitative defects of dysferlin. Also called: Qualitative or quantitative defects of dysferlin; Dysferlinopathy. Identifiers: Orphanet 207073, MedGen C2931687, MONDO:0016145.

Submission:

Labcorp Genetics (formerly Invitae), Labcorp
Classification: Pathogenic for Neuromuscular disease caused by qualitative or quantitative defects of dysferlin. Last evaluated: 2023-11-13. Review status: criteria provided, single submitter. Criteria: Invitae Variant Classification Sherloc (09022015). Collection method: clinical testing. Allele origin: unknown.
Comment: This variant results in the deletion of exons 25-28 and part of exon 29 (c.2512-1495_3148del) of the DYSF gene. It is expected to disrupt RNA splicing. Variants that disrupt the donor or acceptor splice site typically lead to a loss of protein function (PMID: 16199547), and loss-of-function variants in DYSF are known to be pathogenic (PMID: 17698709, 20301480). This variant has not been reported in the literature in individuals affected with DYSF-related conditions. ClinVar contains an entry for this variant (Variation ID: 573415). This variant disrupts a region of the DYSF protein in which other variant(s) (p.Arg959Trp) have been determined to be pathogenic (PMID: 14678801, 16934466, 17070050, 19528035, 21522182, 22194990). This suggests that this is a clinically significant region of the protein, and that variants that disrupt it are likely to be disease-causing. For these reasons, this variant has been classified as Pathogenic.

Literature cited by the submitters: PubMed 16199547; PubMed 17698709; PubMed 20301480; PubMed 14678801; PubMed 16934466; PubMed 17070050; PubMed 19528035; PubMed 21522182; PubMed 22194990.

NC_000002.11:g.(?_71793586)_(71797845_?)del

Gene: DYSF (dysferlin; plus strand). Cytogenetic location: 2p13.2.
Variant type: Deletion.
Identifiers: ClinVar variation 3247377 (VCV003247377.1).